The following is an entry in ClinVar:

ClinVar aggregate classification (germline): Uncertain significance (1 of 4 stars; one submission).

Conditions:
Hypertrophic cardiomyopathy. Also called: HYPERTROPHIC MYOCARDIOPATHY. Identifiers: Orphanet 217569, MedGen C0007194, MeSH D002312, MONDO:0005045, HP:0001639.

Submission:

Labcorp Genetics (formerly Invitae), Labcorp
Classification: Uncertain significance for Hypertrophic cardiomyopathy. Last evaluated: 2025-08-25. Review status: criteria provided, single submitter. Criteria: Invitae Variant Classification Sherloc (09022015). Collection method: clinical testing. Allele origin: germline.
Comment: This variant, c.2752_2760dup, results in the insertion of 3 amino acid(s) of the MYH7 protein (p.Lys918_Lys920dup), but otherwise preserves the integrity of the reading frame. This variant is not present in population databases (gnomAD no frequency). This variant has not been reported in the literature in individuals affected with MYH7-related conditions. Experimental studies and prediction algorithms are not available or were not evaluated, and the functional significance of this variant is currently unknown. In summary, the available evidence is currently insufficient to determine the role of this variant in disease. Therefore, it has been classified as a Variant of Uncertain Significance.

NM_000257.4(MYH7):c.2752_2760dup (p.Lys920_Glu921insLysValLys)

Gene: MYH7 (myosin heavy chain 7; minus strand). Cytogenetic location: 14q11.2.
Variant type: Duplication.
Coding change: c.2752_2760dup on transcript NM_000257.4 (MANE Select); coding-DNA positions 2752 to 2760, 9 bases duplicated (AAGGTGAAG; older notation c.2752_2760dupAAGGTGAAG).
Protein change: p.Lys920_Glu921insLysValLys.
Molecular consequence: inframe insertion.
Genome position (GRCh38, 1-based): chr14:23,424,069-23,424,077, CTTCACCTT duplicated on the plus strand (AAGGTGAAG on the coding strand, the reverse complement: MYH7 is on the minus strand). VCF-style (leftmost placement, unchanged base first): chr14-23424068-C-CCTTCACCTT. GRCh37 (hg19) VCF-style: chr14-23893277-C-CCTTCACCTT.
Other names: c.2752_2760dup, p.Lys920_Glu921insLysValLys (NM_001407004.1).
Identifiers: ClinVar variation 4726000 (VCV004726000.1).